The following is an entry in ClinVar:

NM_005609.4(PYGM):c.46delinsTT (p.Val16fs)

Gene: PYGM (glycogen phosphorylase, muscle associated; minus strand). Cytogenetic location: 11q13.1.
Variant type: Indel.
Coding change: c.46delinsTT on transcript NM_005609.4 (MANE Select); coding-DNA position 46, G replaced by TT.
Protein change: p.Val16fs; shifts the reading frame from valine 16.
Molecular consequence: frameshift variant.
Genome position (GRCh38, 1-based): chr11:64,759,853, C replaced by AA on the plus strand (G replaced by TT on the coding strand, the reverse complement: PYGM is on the minus strand). VCF-style: chr11-64759853-C-AA. GRCh37 (hg19) VCF-style: chr11-64527325-C-AA.
Other names: c.46delinsTT, p.Val16fs (NM_001164716.1); short protein forms V16fs.
Identifiers: ClinVar variation 3338886 (VCV003338886.1).
Genomic context (GRCh38, chr11:64,759,853, plus strand): 5'-GGTGCCGGTTGAAGTTCTTTTTCAGCTCAGTCACGTTCTCCACGCCGGCCAGGCCACGCA[C>AA]ACTGATTTGCTTTCTTTTCTCTTGGTCTGACAGGGGCCGGGACATGGCTGCAGGAGGGCG-3'

ClinVar aggregate classification (germline): Pathogenic (1 of 4 stars; one submission).

Submission:

GeneDx
Classification: Pathogenic. Last evaluated: 2023-12-14. Review status: criteria provided, single submitter. Criteria: GeneDx Variant Classification Process June 2021. Collection method: clinical testing. Allele origin: germline. Affected: yes.
Comment: Frameshift variant predicted to result in protein truncation or nonsense mediated decay in a gene for which loss of function is a known mechanism of disease; Identified in an individual with McArdle syndrome in published literature (PMID: 8054367); Not observed at significant frequency in large population cohorts (gnomAD); This variant is associated with the following publications: (PMID: 8054367)